The following is an entry in ClinVar:

ClinVar aggregate classification (germline): Uncertain significance. Review status: criteria provided, multiple submitters, no conflicts (2 of 4 stars). 2 submissions from 2 submitters: Uncertain significance (2). Last evaluated 2025-10-16.

Conditions:
POLD1-related polyposis and colorectal cancer syndrome (CRCS10). Also called: Colorectal cancer, susceptibility to, 10; Colorectal cancer 10; COLORECTAL CANCER, SUSCEPTIBILITY TO, ON CHROMOSOME 19q. Identifiers: Orphanet 220460, MedGen C2675481, MONDO:0012953, OMIM 612591.
Hereditary cancer-predisposing syndrome. Also called: Tumor predisposition; Hereditary Cancer Syndrome; Hereditary neoplastic syndrome; Neoplastic Syndromes, Hereditary. Identifiers: Orphanet 140162, MedGen C0027672, MeSH D009386, MONDO:0015356.

Allele frequency attached by ClinVar (database versions not stated): gnomAD 0.00002.
gnomAD v4.1: 3 of 1,612,788 alleles (0.00019%); highest among the groups gnomAD compares: African/African-American, 0.004%; no homozygotes.

Submissions (2):

Labcorp Genetics (formerly Invitae), Labcorp
Classification: Uncertain significance for POLD1-related polyposis and colorectal cancer syndrome. Last evaluated: 2025-10-16. Review status: criteria provided, single submitter. Criteria: Invitae Variant Classification Sherloc (09022015). Collection method: clinical testing. Allele origin: germline.
Comment: This sequence change replaces methionine, which is neutral and non-polar, with isoleucine, which is neutral and non-polar, at codon 255 of the POLD1 protein (p.Met255Ile). This variant is present in population databases (no rsID available, gnomAD 0.02%). This variant has not been reported in the literature in individuals affected with POLD1-related conditions. ClinVar contains an entry for this variant (Variation ID: 1346339). Invitae Evidence Modeling of protein sequence and biophysical properties (such as structural, functional, and spatial information, amino acid conservation, physicochemical variation, residue mobility, and thermodynamic stability) has been performed for this missense variant. However, the output from this modeling did not meet the statistical confidence thresholds required to predict the impact of this variant on POLD1 protein function. In summary, the available evidence is currently insufficient to determine the role of this variant in disease. Therefore, it has been classified as a Variant of Uncertain Significance.

Ambry Genetics
Classification: Uncertain significance for Hereditary cancer-predisposing syndrome. Last evaluated: 2023-09-25. Review status: criteria provided, single submitter. Criteria: Ambry Variant Classification Scheme 2023. Collection method: clinical testing. Allele origin: germline.
Comment: The p.M255I variant (also known as c.765G>T), located in coding exon 6 of the POLD1 gene, results from a G to T substitution at nucleotide position 765. The methionine at codon 255 is replaced by isoleucine, an amino acid with highly similar properties. This amino acid position is conserved. In addition, the in silico prediction for this alteration is inconclusive. Since supporting evidence is limited at this time, the clinical significance of this alteration remains unclear.

NM_002691.4(POLD1):c.765G>T (p.Met255Ile)

Gene: POLD1 (DNA polymerase delta 1, catalytic subunit; plus strand). Cytogenetic location: 19q13.33.
Variant type: single nucleotide variant.
Coding change: c.765G>T on transcript NM_002691.4 (MANE Select); coding-DNA position 765, G replaced by T.
Protein change: p.Met255Ile; replaces methionine 255 with isoleucine.
Molecular consequence: missense variant. On other transcripts: non-coding transcript variant (1).
Genome position (GRCh38, 1-based): chr19:50,402,460, G>T. VCF-style: chr19-50402460-G-T. GRCh37 (hg19) VCF-style: chr19-50905717-G-T.
Other names: c.765G>T, p.Met255Ile (NM_001256849.1, NM_001308632.1); short protein forms M255I.
Identifiers: ClinVar variation 1346339 (VCV001346339.10), dbSNP rs1477983424, ClinGen allele CA406974788.